The following is an entry in ClinVar:

ClinVar aggregate classification (germline): Benign/Likely benign. Review status: criteria provided, multiple submitters, no conflicts (2 of 4 stars). 7 submissions from 7 submitters: Benign (3); Likely benign (4). Last evaluated 2026-01-14.

Conditions:
Hereditary cancer-predisposing syndrome. Also called: Hereditary neoplastic syndrome; Neoplastic Syndromes, Hereditary; Tumor predisposition; Hereditary Cancer Syndrome. Identifiers: Orphanet 140162, MedGen C0027672, MeSH D009386, MONDO:0015356.
Tuberous sclerosis syndrome (TSC). Also called: Tuberous Sclerosis Complex; Tuberous sclerosis. Identifiers: Orphanet 805, MedGen C0041341, MONDO:0001734.
Tuberous sclerosis 1 (TSC1). Identifiers: Orphanet 805, MedGen C1854465, MONDO:0008612, OMIM 191100.

Allele frequency attached by ClinVar (database versions not stated): TOPMed 0.00002; gnomAD 0.00028 and 0.00029; ExAC 0.00399; gnomAD exomes 0.16810.
gnomAD v4.1: 24 of 548,620 alleles (0.0044%); highest among the groups gnomAD compares: African/African-American, 0.036%; no homozygotes.

Submissions (7):

Labcorp Genetics (formerly Invitae), Labcorp
Classification: Likely benign for Tuberous sclerosis 1. Last evaluated: 2026-01-14. Review status: criteria provided, single submitter. Criteria: Invitae Variant Classification Sherloc (09022015). Collection method: clinical testing. Allele origin: germline.

Myriad Genetics, Inc.
Classification: Likely benign for Tuberous sclerosis 1. Last evaluated: 2025-04-28. Review status: criteria provided, single submitter. Criteria: Myriad Autosomal Dominant, Autosomal Recessive and X-Linked Classification Criteria (2023). Collection method: clinical testing. Allele origin: unknown.
Comment: This variant is considered likely benign. This variant is intronic and is not expected to impact mRNA splicing.

All of Us Research Program, National Institutes of Health
Classification: Likely benign for Tuberous sclerosis syndrome. Last evaluated: 2023-12-18. Review status: criteria provided, single submitter. Criteria: ACMG Guidelines, 2015. Collection method: clinical testing. Allele origin: germline. Inheritance: Autosomal dominant inheritance. Observed: 6 variant alleles, 6 heterozygotes.
Comment: This study involves interpretation of variants in research participants for the purpose of population health screening. Participant phenotype was not available at the time of variant classification. Additional details can be found in publication PMID: 35346344, PMCID: PMC8962531

Color Diagnostics, LLC DBA Color Health
Classification: Likely benign for Tuberous sclerosis syndrome. Last evaluated: 2022-11-16. Review status: criteria provided, single submitter. Criteria: ACMG Guidelines, 2015. Collection method: clinical testing. Allele origin: germline.

Genome-Nilou Lab
Classification: Benign for Tuberous sclerosis 1. Last evaluated: 2021-11-07. Review status: criteria provided, single submitter. Criteria: ACMG Guidelines, 2015. Collection method: clinical testing. Allele origin: germline. Affected: no.

Ambry Genetics
Classification: Benign for Hereditary cancer-predisposing syndrome. Last evaluated: 2021-02-18. Review status: criteria provided, single submitter. Criteria: Ambry Variant Classification Scheme 2023. Collection method: clinical testing. Allele origin: germline.

GeneDx
Classification: Benign. Last evaluated: 2019-08-28. Review status: criteria provided, single submitter. Criteria: GeneDx Variant Classification Process June 2021. Collection method: clinical testing. Allele origin: germline. Affected: yes.

NM_000368.5(TSC1):c.2626-4T>C

Gene: TSC1 (TSC complex subunit 1; minus strand). Cytogenetic location: 9q34.13.
Variant type: single nucleotide variant.
Coding change: c.2626-4T>C on transcript NM_000368.5 (MANE Select); 4 bases into the intron before coding-DNA position 2626, T replaced by C.
Molecular consequence: intron variant.
Genome position (GRCh38, 1-based): chr9:132,897,614, A>G on the plus strand (T>C on the coding strand, the complement: TSC1 is on the minus strand). VCF-style: chr9-132897614-A-G. GRCh37 (hg19) VCF-style: chr9-135773001-A-G.
Other names: c.2263-4T>C (NM_001362177.2); c.2473-4T>C (NM_001162427.2); c.2623-4T>C (NM_001162426.2).
Identifiers: ClinVar variation 466091 (VCV000466091.21), dbSNP rs777386691, ClinGen allele CA033929.